The following is an entry in ClinVar:

ClinVar aggregate classification (germline): Likely benign (1 of 4 stars; one submission).

Allele frequency attached by ClinVar (database versions not stated): 1000 Genomes Project 0.00026; ESP Exome Variant Server 0.00048.

Submission:

CeGaT Center for Human Genetics Tuebingen
Classification: Likely benign. Last evaluated: 2022-12-01. Review status: criteria provided, single submitter. Criteria: CeGaT Center For Human Genetics Tuebingen Variant Classification Criteria Version 2. Collection method: clinical testing. Allele origin: germline. Affected: yes. Observed: 1 variant allele.
Comment: CT45A10: BS2; CT45A3: BS2; CT45A9: BS2

NM_001291540.2(CT45A9):c.415C>T (p.Gln139Ter)

Genes: CT45A10 (cancer/testis antigen family 45 member A10; minus strand), CT45A3 (cancer/testis antigen family 45 member A3; minus strand), CT45A9 (cancer/testis antigen family 45 member A9; minus strand). Cytogenetic location: Xq26.3.
Variant type: single nucleotide variant.
Coding change: c.415C>T on transcript NM_001291540.2 (MANE Select); coding-DNA position 415, C replaced by T.
Protein change: p.Gln139Ter; replaces glutamine 139 with a stop codon.
Molecular consequence: nonsense.
Genome position (GRCh38, 1-based): chrX:135,865,728, G>A on the plus strand (C>T on the coding strand, the complement: CT45A9 is on the minus strand). VCF-style: chrX-135865728-G-A. GRCh37 (hg19) VCF-style: chrX-134947910-G-A.
Other names: c.415C>T, p.Gln139Ter (NM_001321271.1); short protein forms Q139*.
Identifiers: ClinVar variation 2661490 (VCV002661490.23), dbSNP rs146235294, ClinGen allele CA10523654.
Genomic context (GRCh38, chrX:135,865,728, plus strand): 5'-TCATAGAAAGAGAGACTTCCTATAGTTTTATAAAACAGACATTCTTATACTACTTACTTT[G>A]TCCAACGCATCGGAGTTCCTTCACTAATTGACGTTTTATATCAGCATTAATTTCTTGTTG-3'